The following is an entry in ClinVar:

ClinVar aggregate classification (germline): Uncertain significance (1 of 4 stars; one submission).

Conditions:
Hypertrophic cardiomyopathy. Also called: HYPERTROPHIC MYOCARDIOPATHY. Identifiers: Orphanet 217569, MedGen C0007194, MeSH D002312, MONDO:0005045, HP:0001639.

Submission:

Labcorp Genetics (formerly Invitae), Labcorp
Classification: Uncertain significance for Hypertrophic cardiomyopathy. Last evaluated: 2021-11-13. Review status: criteria provided, single submitter. Criteria: Invitae Variant Classification Sherloc (09022015). Collection method: clinical testing. Allele origin: germline.
Comment: This sequence change replaces alanine, which is neutral and non-polar, with proline, which is neutral and non-polar, at codon 355 of the MYH7 protein (p.Ala355Pro). This variant is not present in population databases (gnomAD no frequency). This variant has not been reported in the literature in individuals affected with MYH7-related conditions. Algorithms developed to predict the effect of missense changes on protein structure and function are either unavailable or do not agree on the potential impact of this missense change (SIFT: "Deleterious"; PolyPhen-2: "Probably Damaging"; Align-GVGD: "Class C0"). This variant disrupts the p.Ala355 amino acid residue in MYH7. Other variant(s) that disrupt this residue have been determined to be pathogenic (PMID: 12707239, 18761664, 20031618, 21835320, 23283745, 24704860, 27247418). This suggests that this residue is clinically significant, and that variants that disrupt this residue are likely to be disease-causing. In summary, the available evidence is currently insufficient to determine the role of this variant in disease. Therefore, it has been classified as a Variant of Uncertain Significance.

Literature cited by the submitters: PubMed 12707239; PubMed 18761664; PubMed 20031618; PubMed 21835320; PubMed 23283745; PubMed 24704860; PubMed 27247418.

NM_000257.4(MYH7):c.1063G>C (p.Ala355Pro)

Gene: MYH7 (myosin heavy chain 7; minus strand). Cytogenetic location: 14q11.2.
Variant type: single nucleotide variant.
Coding change: c.1063G>C on transcript NM_000257.4 (MANE Select); coding-DNA position 1063, G replaced by C.
Protein change: p.Ala355Pro; replaces alanine 355 with proline.
Molecular consequence: missense variant.
Genome position (GRCh38, 1-based): chr14:23,429,850, C>G on the plus strand (G>C on the coding strand, the complement: MYH7 is on the minus strand). VCF-style: chr14-23429850-C-G. GRCh37 (hg19) VCF-style: chr14-23899059-C-G.
Other names: short protein forms A355P.
Identifiers: ClinVar variation 1488649 (VCV001488649.5), dbSNP rs397516088, ClinGen allele CA389051442.
Genomic context (GRCh38, chr14:23,429,850, plus strand): 5'-GCTCCGCCTGCTCCTCCCGCTGCTTCAGCTTGAACTTCATGTTTCCAAAGTGCATGATGG[C>G]GCCTGTCAGCTTATACATGGAGTTTTTCTCCTCTGAAGTGAAGCCCAGCACATCAAAAGC-3'
Protein context (NP_000248.2, residues 345-365): EKNSMYKLTG[Ala355Pro]IMHFGNMKFK